The following is an entry in ClinVar:

ClinVar aggregate classification (germline): Pathogenic (1 of 4 stars; one submission).

Conditions:
Familial cancer of breast. Also called: Hereditary breast cancer; BREAST CANCER, FAMILIAL; hereditary breast carcinoma. Identifiers: Orphanet 227535, MedGen C0346153, MONDO:0016419, OMIM 114480. Disease mechanism: loss of function.

Submission:

Myriad Genetics, Inc.
Classification: Pathogenic for Familial cancer of breast. Last evaluated: 2023-05-31. Review status: criteria provided, single submitter. Criteria: Myriad Autosomal Dominant, Autosomal Recessive and X-Linked Classification Criteria (2023). Collection method: clinical testing. Allele origin: unknown.
Comment: This variant is considered pathogenic. This variant creates a termination codon and is predicted to result in premature protein truncation.

NM_032043.3(BRIP1):c.548T>A (p.Leu183Ter)

Gene: BRIP1 (BRCA1 interacting DNA helicase 1; minus strand). Cytogenetic location: 17q23.2.
Variant type: single nucleotide variant.
Coding change: c.548T>A on transcript NM_032043.3 (MANE Select); coding-DNA position 548, T replaced by A.
Protein change: p.Leu183Ter; replaces leucine 183 with a stop codon.
Molecular consequence: nonsense.
Genome position (GRCh38, 1-based): chr17:61,847,180, A>T on the plus strand (T>A on the coding strand, the complement: BRIP1 is on the minus strand). VCF-style: chr17-61847180-A-T. GRCh37 (hg19) VCF-style: chr17-59924541-A-T.
Other names: short protein forms L183*.
Identifiers: ClinVar variation 2583600 (VCV002583600.2), dbSNP rs2545406872, ClinGen allele CA400483179.